The following is an entry in ClinVar:

NM_015346.4(ZFYVE26):c.266G>A (p.Arg89Gln)

Gene: ZFYVE26 (zinc finger FYVE-type containing 26; minus strand). Cytogenetic location: 14q24.1.
Variant type: single nucleotide variant.
Coding change: c.266G>A on transcript NM_015346.4 (MANE Select); coding-DNA position 266, G replaced by A.
Protein change: p.Arg89Gln; replaces arginine 89 with glutamine.
Molecular consequence: missense variant.
Genome position (GRCh38, 1-based): chr14:67,813,993, C>T on the plus strand (G>A on the coding strand, the complement: ZFYVE26 is on the minus strand). VCF-style: chr14-67813993-C-T. GRCh37 (hg19) VCF-style: chr14-68280710-C-T.
Other names: short protein forms R89Q.
Identifiers: ClinVar variation 406179 (VCV000406179.8), dbSNP rs138664542, ClinGen allele CA7240851.

ClinVar aggregate classification (germline): Uncertain significance. Review status: criteria provided, multiple submitters, no conflicts (2 of 4 stars). 3 submissions from 3 submitters: Uncertain significance (3). Last evaluated 2021-09-01.

Conditions:
Spastic paraplegia. Identifiers: MedGen C0037772, HP:0001258.
Hereditary spastic paraplegia. Also called: Familial spastic paraparesis. Identifiers: Orphanet 685, MedGen C0037773, MONDO:0019064. Disease mechanism: loss of function.
Hereditary spastic paraplegia 15 (SPG15). Also called: SPASTIC PARAPLEGIA 15, AUTOSOMAL RECESSIVE; KJELLIN SYNDROME; SPASTIC PARAPLEGIA AND RETINAL DEGENERATION. Identifiers: Orphanet 100996, MedGen C1849128, MONDO:0010044, OMIM 270700.

Allele frequency attached by ClinVar (database versions not stated): TOPMed 0.00001.
gnomAD v4.1: 97 of 1,613,234 alleles (0.006%); highest among the groups gnomAD compares: South Asian, 0.0077%; no homozygotes.

Submissions (3):

Labcorp Genetics (formerly Invitae), Labcorp
Classification: Uncertain significance for Spastic paraplegia. Last evaluated: 2021-09-01. Review status: criteria provided, single submitter. Criteria: Invitae Variant Classification Sherloc (09022015). Collection method: clinical testing. Allele origin: germline.
Comment: This sequence change replaces arginine with glutamine at codon 89 of the ZFYVE26 protein (p.Arg89Gln). The arginine residue is moderately conserved and there is a small physicochemical difference between arginine and glutamine. This variant is present in population databases (rs138664542, ExAC 0.006%). This variant has not been reported in the literature in individuals affected with ZFYVE26-related conditions. Algorithms developed to predict the effect of missense changes on protein structure and function output the following: SIFT: "Tolerated"; PolyPhen-2: "Benign"; Align-GVGD: "Class C0". The glutamine amino acid residue is found in multiple mammalian species, which suggests that this missense change does not adversely affect protein function. In summary, the available evidence is currently insufficient to determine the role of this variant in disease. Therefore, it has been classified as a Variant of Uncertain Significance.

Fulgent Genetics
Classification: Uncertain significance for Hereditary spastic paraplegia 15. Last evaluated: 2018-10-31. Review status: criteria provided, single submitter. Criteria: ACMG Guidelines, 2015. Collection method: clinical testing. Allele origin: unknown.

Genome Diagnostics Laboratory, The Hospital for Sick Children
Classification: Uncertain significance for Hereditary spastic paraplegia. Last evaluated: 2016-12-12. Review status: criteria provided, single submitter. Criteria: ACMG Guidelines, 2015. Collection method: clinical testing. Allele origin: germline. Affected: yes.